The following is an entry in ClinVar:

NM_032043.3(BRIP1):c.439T>C (p.Tyr147His)

Gene: BRIP1 (BRCA1 interacting DNA helicase 1; minus strand). Cytogenetic location: 17q23.2.
Variant type: single nucleotide variant.
Coding change: c.439T>C on transcript NM_032043.3 (MANE Select); coding-DNA position 439, T replaced by C.
Protein change: p.Tyr147His; replaces tyrosine 147 with histidine.
Molecular consequence: missense variant.
Genome position (GRCh38, 1-based): chr17:61,849,197, A>G on the plus strand (T>C on the coding strand, the complement: BRIP1 is on the minus strand). VCF-style: chr17-61849197-A-G. GRCh37 (hg19) VCF-style: chr17-59926558-A-G.
Other names: short protein forms Y147H.
Identifiers: ClinVar variation 584976 (VCV000584976.12), dbSNP rs1567868580, ClinGen allele CA400484496.

ClinVar aggregate classification (germline): Uncertain significance. Review status: criteria provided, multiple submitters, no conflicts (2 of 4 stars). 2 submissions from 2 submitters: Uncertain significance (2). Last evaluated 2025-06-24.

Conditions:
Familial cancer of breast. Also called: hereditary breast carcinoma; BREAST CANCER, FAMILIAL; Hereditary breast cancer. Identifiers: Orphanet 227535, MedGen C0346153, MONDO:0016419, OMIM 114480. Disease mechanism: loss of function.
Fanconi anemia complementation group J. Also called: BRIP1-Related Fanconi Anemia. Identifiers: Orphanet 84, MedGen C1836860, MONDO:0012187, OMIM 609054.

Submissions (2):

Labcorp Genetics (formerly Invitae), Labcorp
Classification: Uncertain significance for Familial cancer of breast; Fanconi anemia complementation group J. Last evaluated: 2025-06-24. Review status: criteria provided, single submitter. Criteria: Invitae Variant Classification Sherloc (09022015). Collection method: clinical testing. Allele origin: germline.
Comment: This sequence change replaces tyrosine, which is neutral and polar, with histidine, which is basic and polar, at codon 147 of the BRIP1 protein (p.Tyr147His). This variant is not present in population databases (gnomAD no frequency). This missense change has been observed in individual(s) with breast cancer (PMID: 35264596). ClinVar contains an entry for this variant (Variation ID: 584976). Invitae Evidence Modeling of protein sequence and biophysical properties (such as structural, functional, and spatial information, amino acid conservation, physicochemical variation, residue mobility, and thermodynamic stability) indicates that this missense variant is not expected to disrupt BRIP1 protein function with a negative predictive value of 95%. In summary, the available evidence is currently insufficient to determine the role of this variant in disease. Therefore, it has been classified as a Variant of Uncertain Significance.

Mendelics
Classification: Uncertain significance for Familial cancer of breast. Last evaluated: 2019-05-28. Review status: criteria provided, single submitter. Criteria: Mendelics Assertion Criteria 2017. Collection method: clinical testing. Allele origin: unknown.

Literature cited by the submitters: PubMed 35264596 (cited by Labcorp Genetics (formerly Invitae), Labcorp).